The following is an entry in ClinVar:

ClinVar aggregate classification (germline): Uncertain significance. Review status: criteria provided, multiple submitters, no conflicts (2 of 4 stars). 2 submissions from 2 submitters: Uncertain significance (2). Last evaluated 2026-07-01.

Conditions:
Kleefstra syndrome 2 (KLEFS2). Identifiers: MedGen C4540395, MONDO:0054701, OMIM 617768.

Submissions (2):

CeGaT Center for Human Genetics Tuebingen
Classification: Uncertain significance. Last evaluated: 2026-07-01. Review status: criteria provided, single submitter. Criteria: CeGaT Center For Human Genetics Tuebingen Variant Classification Criteria Version 2. Collection method: clinical testing. Allele origin: germline. Affected: yes. Observed: 1 variant allele.
Comment: KMT2C: PM2

Baylor Genetics
Classification: Uncertain significance for Kleefstra syndrome 2. Last evaluated: 2022-02-18. Review status: criteria provided, single submitter. Criteria: ACMG Guidelines, 2015. Collection method: clinical testing. Allele origin: unknown.

NM_170606.3(KMT2C):c.8284C>G (p.Pro2762Ala)

Gene: KMT2C (lysine methyltransferase 2C; minus strand). Cytogenetic location: 7q36.1.
Variant type: single nucleotide variant.
Coding change: c.8284C>G on transcript NM_170606.3 (MANE Select); coding-DNA position 8284, C replaced by G.
Protein change: p.Pro2762Ala; replaces proline 2762 with alanine.
Molecular consequence: missense variant.
Genome position (GRCh38, 1-based): chr7:152,177,169, G>C on the plus strand (C>G on the coding strand, the complement: KMT2C is on the minus strand). VCF-style: chr7-152177169-G-C. GRCh37 (hg19) VCF-style: chr7-151874254-G-C.
Other names: short protein forms P2762A.
Identifiers: ClinVar variation 2442035 (VCV002442035.2), dbSNP rs2129114333, ClinGen allele CA370080867.